The following is an entry in ClinVar:

ClinVar aggregate classification (germline): Benign (1 of 4 stars; one submission).

Allele frequency attached by ClinVar (database versions not stated): gnomAD exomes 0.08313; gnomAD 0.10498; TOPMed 0.11777; 1000 Genomes Project 30x 0.21127; 1000 Genomes Project 0.22065.
gnomAD v4.1: 26,096 of 274,930 alleles (9.5%); highest among the groups gnomAD compares: East Asian, 43%; 2,928 homozygotes.

Submission:

Unidad de Genómica Garrahan, Hospital de Pediatría Garrahan
Classification: Benign. Last evaluated: 2024-01-24. Review status: criteria provided, single submitter. Criteria: ACMG Guidelines, 2015. Collection method: clinical testing. Allele origin: germline. Affected: no. Observed: 26 variant alleles.
Comment: This variant is classified as Benign based on local population frequency. This variant was detected in 27% of patients studied by a panel of primary immunodeficiencies. Number of patients: 26. Only high quality variants are reported.

NM_020458.4(TTC7A):c.2017+337C>T

Gene: TTC7A (tetratricopeptide repeat domain 7A; plus strand). Cytogenetic location: 2p21.
Variant type: single nucleotide variant.
Coding change: c.2017+337C>T on transcript NM_020458.4 (MANE Select); 337 bases into the intron after coding-DNA position 2017, C replaced by T.
Molecular consequence: intron variant.
Genome position (GRCh38, 1-based): chr2:47,050,383, C>T. VCF-style: chr2-47050383-C-T. GRCh37 (hg19) VCF-style: chr2-47277522-C-T.
Other names: c.1915+337C>T (NM_001288953.2); c.2089+337C>T (NM_001288951.2); c.955+337C>T (NM_001288955.2).
Identifiers: ClinVar variation 2688275 (VCV002688275.2), dbSNP rs78178942, ClinGen allele CA11151387.